The following is an entry in ClinVar:

NM_000051.4(ATM):c.8771A>C (p.Glu2924Ala)

Genes: ATM (ATM serine/threonine kinase; plus strand), C11orf65 (chromosome 11 open reading frame 65; minus strand). Cytogenetic location: 11q22.3.
Variant type: single nucleotide variant.
Coding change: c.8771A>C on transcript NM_000051.4 (MANE Select); coding-DNA position 8771, A replaced by C.
Protein change: p.Glu2924Ala; replaces glutamic acid 2924 with alanine.
Molecular consequence: missense variant. On other transcripts: intron variant (2).
Genome position (GRCh38, 1-based): chr11:108,353,865, A>C. VCF-style: chr11-108353865-A-C. GRCh37 (hg19) VCF-style: chr11-108224592-A-C.
Other names: c.8771A>C, p.Glu2924Ala (NM_001351834.2); c.640+32055T>G (NM_001330368.2); c.695-18573T>G (NM_001351110.2); short protein forms E2924A.
Identifiers: ClinVar variation 4866876 (VCV004866876.1).

ClinVar aggregate classification (germline): Uncertain significance (1 of 4 stars; one submission).

Conditions:
Hereditary cancer-predisposing syndrome. Also called: Tumor predisposition; Hereditary neoplastic syndrome; Hereditary Cancer Syndrome; Neoplastic Syndromes, Hereditary. Identifiers: Orphanet 140162, MedGen C0027672, MeSH D009386, MONDO:0015356.

Submission:

Ambry Genetics
Classification: Uncertain significance for Hereditary cancer-predisposing syndrome. Last evaluated: 2026-05-15. Review status: criteria provided, single submitter. Criteria: Ambry Variant Classification Scheme 2023. Collection method: clinical testing. Allele origin: germline.
Comment: The p.E2924A variant (also known as c.8771A>C), located in coding exon 59 of the ATM gene, results from an A to C substitution at nucleotide position 8771. The glutamic acid at codon 2924 is replaced by alanine, an amino acid with dissimilar properties. In an assay testing ATM function, this variant showed a functionally abnormal result (Lee KS et al. Cell, 2025 Sep;188:5081-5099.e27). This amino acid position is highly conserved in available vertebrate species. In addition, this alteration is predicted to be deleterious by in silico analysis. Based on the available evidence, the clinical significance of this variant remains unclear.

Literature cited by the submitters: PubMed 40580951.